The following is an entry in ClinVar:

ClinVar aggregate classification (germline): Conflicting classifications of pathogenicity. Review status: criteria provided, conflicting classifications (1 of 4 stars). 6 submissions from 6 submitters: Uncertain significance (3); Likely benign (1). 2 of the submissions do not count toward it. Last evaluated 2026-01-31.

Conditions:
RTEL1-related disorder. Also called: RTEL1-related condition; RTEL1-related disorders.
Dyskeratosis congenita, autosomal recessive 5 (DKCB5). Identifiers: MedGen C3554656, MONDO:0014076, OMIM 615190.
Pulmonary fibrosis and/or bone marrow failure, Telomere-related, 3. Also called: PULMONARY FIBROSIS AND/OR BONE MARROW FAILURE SYNDROME, TELOMERE-RELATED, 3. Identifiers: Orphanet 2032, MedGen C4225346, MONDO:0014613, OMIM 616373.
Dyskeratosis congenita. Identifiers: Orphanet 1775, MedGen C0265965, MONDO:0015780.

Allele frequency attached by ClinVar (database versions not stated): gnomAD exomes 0.00009; TOPMed 0.00010; gnomAD 0.00011 and 0.00012; ESP Exome Variant Server 0.00023.
gnomAD v4.1: 168 of 1,612,292 alleles (0.01%); highest among the groups gnomAD compares: Admixed American, 0.005%; no homozygotes.

Submissions (6):

Labcorp Genetics (formerly Invitae), Labcorp
Classification: Likely benign for Dyskeratosis congenita, autosomal recessive 5; Pulmonary fibrosis and/or bone marrow failure, Telomere-related, 3. Last evaluated: 2026-01-31. Review status: criteria provided, single submitter. Criteria: Invitae Variant Classification Sherloc (09022015). Collection method: clinical testing. Allele origin: germline.

Genetic Services Laboratory, University of Chicago
Classification: Uncertain significance. Last evaluated: 2024-09-06. Review status: criteria provided, single submitter. Criteria: ACMG Guidelines, 2015. Collection method: clinical testing. Allele origin: germline. Affected: no.
Comment: DNA sequence analysis of the RTEL1 gene demonstrated a sequence change, c.3479C>G, in exon 33 that results in an amino acid change, p.Thr1160Ser (ref. seq. NM_032957.5). This sequence change does not appear to have been previously described in individuals with RTEL1-related disorders. This sequence change has been described in the gnomAD database with a frequency of 0.43% in the Ashkenazi Jewish subpopulation (dbSNP rs150686112). The p.Thr1160Ser change affects a poorly conserved amino acid residue located in a domain of the RTEL1 protein that is not known to be functional. The p.Thr1160Ser substitution appears to be benign using several in-silico pathogenicity prediction tools (SIFT, PolyPhen2, Align GVGD, REVEL). Due to insufficient evidences and the lack of functional studies, the clinical significance of the p.Thr1160Ser change remains unknown at this time

GeneDx
Classification: Uncertain significance. Last evaluated: 2024-07-30. Review status: criteria provided, single submitter. Criteria: GeneDx Variant Classification Process June 2021. Collection method: clinical testing. Allele origin: germline. Affected: yes.
Comment: In silico analysis indicates that this missense variant does not alter protein structure/function; Has not been previously published as pathogenic or benign to our knowledge; This variant is associated with the following publications: (PMID: 24627221)

Sema4
Classification: Uncertain significance for Dyskeratosis congenita. Last evaluated: 2021-09-20. Review status: criteria provided, single submitter. Criteria: Sema4 Curation Guidelines. Collection method: curation. Allele origin: germline.
Comment: The RTEL1 c.3407C>G (p.T1136S) variant has not been reported in the literature to our knowledge. It was observed in 44/10180 chromosomes of the Ashkenazi Jewish subpopulation, with no homozygotes, in the large and broad cohorts of the Genome Aggregation Database. The variant has been reported in ClinVar (Variation ID 793284). Computational analyses and evolutionary conservation data do not provide strong support for or against an impact to the protein, however these predictions have not been confirmed by published functional studies. There is no indication that this variant causes disease, but the evidence is insufficient currently to prove that conclusively. Thus, the clinical significance of this variant is currently uncertain.

PreventionGenetics, part of Exact Sciences
Classification: Likely benign for RTEL1-related condition. Last evaluated: 2024-04-04. Review status: no assertion criteria provided. Collection method: clinical testing. Allele origin: germline. Not counted in ClinVar's aggregate classification.
Comment: This variant is classified as likely benign based on ACMG/AMP sequence variant interpretation guidelines (Richards et al. 2015 PMID: 25741868, with internal and published modifications).

Natera, Inc.
Classification: Likely benign for Dyskeratosis congenita. Last evaluated: 2020-01-02. Review status: no assertion criteria provided. Collection method: clinical testing. Allele origin: germline. Not counted in ClinVar's aggregate classification.

NM_001283009.2(RTEL1):c.3407C>G (p.Thr1136Ser)

Genes: RTEL1 (regulator of telomere elongation helicase 1; plus strand), RTEL1-TNFRSF6B (RTEL1-TNFRSF6B readthrough (NMD candidate); plus strand). Cytogenetic location: 20q13.33.
Variant type: single nucleotide variant.
Coding change: c.3407C>G on transcript NM_001283009.2 (MANE Select); coding-DNA position 3407, C replaced by G.
Protein change: p.Thr1136Ser; replaces threonine 1136 with serine.
Molecular consequence: missense variant. On other transcripts: non-coding transcript variant (1).
Genome position (GRCh38, 1-based): chr20:63,695,129, C>G. VCF-style: chr20-63695129-C-G. GRCh37 (hg19) VCF-style: chr20-62326482-C-G.
Other names: c.2738C>G, p.Thr913Ser (NM_001283010.1); c.3407C>G, p.Thr1136Ser (NM_016434.4); c.3479C>G, p.Thr1160Ser (NM_032957.5); short protein forms T1160S, T913S, T1136S.
Identifiers: ClinVar variation 793284 (VCV000793284.17), dbSNP rs150686112, ClinGen allele CA9966016.